The following is an entry in ClinVar:

ClinVar aggregate classification (germline): Likely pathogenic (1 of 4 stars; one submission).

Conditions:
Osteogenesis imperfecta type 7 (OI7). Also called: OSTEOGENESIS IMPERFECTA, TYPE IIB; Osteogenesis imperfecta type 2B; OI type 2B; Osteogenesis imperfecta, perinatal lethal autosomal recessive; OI type IIB; OI type 7. Identifiers: MedGen C1853162, MONDO:0012536, OMIM 610682.

Submission:

Clinical Genetics Laboratory, Skane University Hospital Lund
Classification: Likely pathogenic for Osteogenesis imperfecta type 7. Last evaluated: 2026-07-17. Review status: criteria provided, single submitter. Criteria: ACMG Guidelines, 2015. Collection method: clinical testing. Allele origin: germline. Inheritance: Autosomal recessive inheritance. Affected: yes. Observed: 1 variant allele, 1 compound heterozygote.
Comment: CRTAP (NM_006371.5) c.423del, p.(Phe142Serfs*32) causes a single-base pair deletion in exon 1 of 7, resulting in a frameshift and a premature stop codon, which leads to either a truncated protein or loss of protein expression from the allele. CRTAP c.423del has not been observed in the general population (gnomAD v4.1.0) and has not been previously reported in ClinVar. The variant has been classified as likely pathogenic based on the following ACMG criteria: PVS1, PM2.

NM_006371.5(CRTAP):c.423del (p.Phe142fs)

Gene: CRTAP (cartilage associated protein; plus strand). Cytogenetic location: 3p22.3.
Variant type: Deletion.
Coding change: c.423del on transcript NM_006371.5 (MANE Select); coding-DNA position 423, one base deleted (C; older notation c.423delC).
Protein change: p.Phe142fs; shifts the reading frame from phenylalanine 142.
Molecular consequence: frameshift variant.
Genome position (GRCh38, 1-based): chr3:33,114,500, C deleted. VCF-style (leftmost placement, unchanged base first): chr3-33114499-AC-A. GRCh37 (hg19) VCF-style: chr3-33155991-AC-A.
Other names: c.423del, p.Phe142fs (NM_001393363.1, NM_001393364.1, NM_001393365.1); short protein forms F142fs.
Identifiers: ClinVar variation 4876808 (VCV004876808.1).